The following is an entry in ClinVar:

ClinVar aggregate classification (germline): Uncertain significance (1 of 4 stars; one submission).

Conditions:
Baraitser-Winter syndrome 1 (BRWS1). Also called: BARAITSER-WINTER SYNDROME 1, ATYPICAL; MENTAL RETARDATION WITH EPILEPSY AND CHARACTERISTIC FACIES; PACHYGYRIA, MENTAL RETARDATION, EPILEPSY, AND CHARACTERISTIC FACIES; Cerebrofrontofacial syndrome. Identifiers: Orphanet 2649, Orphanet 2995, MedGen C1855722, MONDO:0009470, OMIM 243310.

Submission:

Labcorp Genetics (formerly Invitae), Labcorp
Classification: Uncertain significance for Baraitser-Winter syndrome 1. Last evaluated: 2024-06-20. Review status: criteria provided, single submitter. Criteria: Invitae Variant Classification Sherloc (09022015). Collection method: clinical testing. Allele origin: germline.
Comment: This sequence change replaces alanine, which is neutral and non-polar, with proline, which is neutral and non-polar, at codon 26 of the ACTB protein (p.Ala26Pro). This variant is not present in population databases (gnomAD no frequency). This variant has not been reported in the literature in individuals affected with ACTB-related conditions. Advanced modeling of protein sequence and biophysical properties (such as structural, functional, and spatial information, amino acid conservation, physicochemical variation, residue mobility, and thermodynamic stability) has been performed at Invitae for this missense variant, however the output from this modeling did not meet the statistical confidence thresholds required to predict the impact of this variant on ACTB protein function. In summary, the available evidence is currently insufficient to determine the role of this variant in disease. Therefore, it has been classified as a Variant of Uncertain Significance.

NM_001101.5(ACTB):c.76G>C (p.Ala26Pro)

Gene: ACTB (actin beta; minus strand). Cytogenetic location: 7p22.1.
Variant type: single nucleotide variant.
Coding change: c.76G>C on transcript NM_001101.5 (MANE Select); coding-DNA position 76, G replaced by C.
Protein change: p.Ala26Pro; replaces alanine 26 with proline.
Molecular consequence: missense variant.
Genome position (GRCh38, 1-based): chr7:5,529,582, C>G on the plus strand (G>C on the coding strand, the complement: ACTB is on the minus strand). VCF-style: chr7-5529582-C-G. GRCh37 (hg19) VCF-style: chr7-5569213-C-G.
Other names: short protein forms A26P.
Identifiers: ClinVar variation 3657079 (VCV003657079.2).
Genomic context (GRCh38, chr7:5,529,582, plus strand): 5'-CCAGCTCCCCTACCTGGTGCCTGGGGCGCCCCACGATGGAGGGGAAGACGGCCCGGGGGG[C>G]ATCGTCGCCCGCGAAGCCGGCCTTGCACATGCCGGAGCCGTTGTCGACGACGAGCGCGGC-3'
Protein context (NP_001092.1, residues 16-36): MCKAGFAGDD[Ala26Pro]PRAVFPSIVG